The following is an entry in ClinVar:

NM_001267550.2(TTN):c.39895+8T>C

Gene: TTN (titin; minus strand). Cytogenetic location: 2q31.2.
Variant type: single nucleotide variant.
Coding change: c.39895+8T>C on transcript NM_001267550.2 (MANE Select); 8 bases into the intron after coding-DNA position 39895, T replaced by C.
Molecular consequence: intron variant.
Genome position (GRCh38, 1-based): chr2:178,649,809, A>G on the plus strand (T>C on the coding strand, the complement: TTN is on the minus strand). VCF-style: chr2-178649809-A-G. GRCh37 (hg19) VCF-style: chr2-179514536-A-G.
Other names: c.13283-7492T>C (NM_003319.4); c.13859-7492T>C (NM_133437.4); c.13658-7492T>C (NM_133432.3); c.32593+8T>C (NM_133378.4); c.35374+8T>C (NM_001256850.1).
Identifiers: ClinVar variation 513015 (VCV000513015.10), dbSNP rs990600164, ClinGen allele CA60966633.

ClinVar aggregate classification (germline): Likely benign. Review status: criteria provided, multiple submitters, no conflicts (2 of 4 stars). 2 submissions from 2 submitters: Likely benign (2). Last evaluated 2025-12-08.

Conditions:
Autosomal recessive limb-girdle muscular dystrophy type 2J (LGMDR10). Also called: MUSCULAR DYSTROPHY, LIMB-GIRDLE, AUTOSOMAL RECESSIVE 10; Limb-girdle muscular dystrophy, type 2J. Identifiers: Orphanet 140922, MedGen C1837342, MONDO:0012127, OMIM 608807.
Dilated cardiomyopathy 1G (CMD1G). Identifiers: Orphanet 154, MedGen C1858763, MONDO:0011400, OMIM 604145.

Allele frequency attached by ClinVar (database versions not stated): gnomAD exomes below 0.00001 and 0.00001; TOPMed 0.00002; gnomAD 0.00003.
gnomAD v4.1: 19 of 1,611,168 alleles (0.0012%); highest among the groups gnomAD compares: Middle Eastern, 0.017%; no homozygotes.

Submissions (2):

Labcorp Genetics (formerly Invitae), Labcorp
Classification: Likely benign for Dilated cardiomyopathy 1G; Autosomal recessive limb-girdle muscular dystrophy type 2J. Last evaluated: 2025-12-08. Review status: criteria provided, single submitter. Criteria: Invitae Variant Classification Sherloc (09022015). Collection method: clinical testing. Allele origin: germline.

GeneDx
Classification: Likely benign. Last evaluated: 2017-10-27. Review status: criteria provided, single submitter. Criteria: GeneDx Variant Classification (06012015). Collection method: clinical testing. Allele origin: germline. Affected: yes.
Comment: This variant is considered likely benign or benign based on one or more of the following criteria: it is a conservative change, it occurs at a poorly conserved position in the protein, it is predicted to be benign by multiple in silico algorithms, and/or has population frequency not consistent with disease.